The following is an entry in ClinVar:

NM_000492.4(CFTR):c.2062_2066delinsTTTTTGTTTG (p.Lys688fs)

Gene: CFTR (CF transmembrane conductance regulator; plus strand). Cytogenetic location: 7q31.2.
Variant type: Indel.
Coding change: c.2062_2066delinsTTTTTGTTTG on transcript NM_000492.4 (MANE Select); coding-DNA positions 2062 to 2066, AAACA replaced by TTTTTGTTTG.
Protein change: p.Lys688fs; shifts the reading frame from lysine 688.
Molecular consequence: frameshift variant.
Genome position (GRCh38, 1-based): chr7:117,592,229-117,592,233, AAACA replaced by TTTTTGTTTG. VCF-style: chr7-117592229-AAACA-TTTTTGTTTG. GRCh37 (hg19) VCF-style: chr7-117232283-AAACA-TTTTTGTTTG.
Other names: short protein forms K688fs.
Identifiers: ClinVar variation 2105243 (VCV002105243.4), dbSNP rs2485109867, ClinGen allele CA2580076517.
Genomic context (GRCh38, chr7:117,592,229, plus strand): 5'-CGTTTCTCATTAGAAGGAGATGCTCCTGTCTCCTGGACAGAAACAAAAAAACAATCTTTT[AAACA>TTTTTGTTTG]GACTGGAGAGTTTGGGGAAAAAAGGAAGAATTCTATTCTCAATCCAATCAACTCTATACG-3'

ClinVar aggregate classification (germline): Pathogenic (1 of 4 stars; one submission).

Conditions:
Cystic fibrosis (CF). Also called: MUCOVISCIDOSIS. Identifiers: Orphanet 586, MedGen C0010674, MONDO:0009061, OMIM 219700. Disease mechanism: loss of function.

Submission:

Labcorp Genetics (formerly Invitae), Labcorp
Classification: Pathogenic for Cystic fibrosis. Last evaluated: 2024-11-05. Review status: criteria provided, single submitter. Criteria: Invitae Variant Classification Sherloc (09022015). Collection method: clinical testing. Allele origin: germline.
Comment: This sequence change creates a premature translational stop signal (p.Lys688Phefs*36) in the CFTR gene. It is expected to result in an absent or disrupted protein product. Loss-of-function variants in CFTR are known to be pathogenic (PMID: 1695717, 7691345, 9725922). This variant is not present in population databases (gnomAD no frequency). This variant has not been reported in the literature in individuals affected with CFTR-related conditions. For these reasons, this variant has been classified as Pathogenic.

Literature cited by the submitters: PubMed 1695717; PubMed 7691345; PubMed 9725922.